The following is an entry in ClinVar:

ClinVar aggregate classification (germline): Uncertain significance (1 of 4 stars; one submission).

Conditions:
Intellectual developmental disorder, autosomal dominant 64. Also called: MENTAL RETARDATION, AUTOSOMAL DOMINANT 64. Identifiers: MedGen C5543067, MONDO:0030934, OMIM 619188.

Submission:

MVZ Medizinische Genetik Mainz
Classification: Uncertain significance for Intellectual developmental disorder, autosomal dominant 64. Last evaluated: 2023-04-18. Review status: criteria provided, single submitter. Criteria: UK Practice Guidelines For Variant Classification V4 01 2020. Collection method: clinical testing. Allele origin: germline. Inheritance: Autosomal dominant inheritance. Affected: yes. Observed: 1 variant allele.
Comment: ACMG Criteria: PM2_SUP,PP3

NM_015021.3(ZNF292):c.741+5G>A

Gene: ZNF292 (zinc finger protein 292; plus strand). Cytogenetic location: 6q14.3.
Variant type: single nucleotide variant.
Coding change: c.741+5G>A on transcript NM_015021.3 (MANE Select); 5 bases into the intron after coding-DNA position 741, G replaced by A.
Molecular consequence: intron variant.
Genome position (GRCh38, 1-based): chr6:87,233,532, G>A. VCF-style: chr6-87233532-G-A. GRCh37 (hg19) VCF-style: chr6-87943250-G-A.
Other names: c.321+5G>A (NM_001351444.2).
Identifiers: ClinVar variation 3236241 (VCV003236241.1), dbSNP rs2482126391, ClinGen allele CA2825001498.
Genomic context (GRCh38, chr6:87,233,532, plus strand): 5'-AAACTTACCTTGTCTGTCTTTGTACATCATCACCAAATGGAAAGTTAATCGAAGAGGTGA[G>A]TATGTTTTCTTTCATTAGTAATTATTTTTTAAGTTGAGAAATTAATTTTTAATTAGAATG-3'